The following is an entry in ClinVar:

NM_004369.4(COL6A3):c.993G>C (p.Glu331Asp)

Gene: COL6A3 (collagen type VI alpha 3 chain; minus strand). Cytogenetic location: 2q37.3.
Variant type: single nucleotide variant.
Coding change: c.993G>C on transcript NM_004369.4 (MANE Select); coding-DNA position 993, G replaced by C.
Protein change: p.Glu331Asp; replaces glutamic acid 331 with aspartic acid.
Molecular consequence: missense variant. On other transcripts: intron variant (2).
Genome position (GRCh38, 1-based): chr2:237,387,901, C>G on the plus strand (G>C on the coding strand, the complement: COL6A3 is on the minus strand). VCF-style: chr2-237387901-C-G. GRCh37 (hg19) VCF-style: chr2-238296544-C-G.
Other names: c.375G>C, p.Glu125Asp (NM_057165.5, NM_057167.4); c.92-6402G>C (NM_057166.5, NM_057164.5); short protein forms E125D, E331D.
Identifiers: ClinVar variation 1945554 (VCV001945554.5), dbSNP rs2469948814, ClinGen allele CA351222581.
Genomic context (GRCh38, chr2:237,387,901, plus strand): 5'-GACCAGCACCTGGGGAACCCCTTCCTCCACGCGGCTGCCCCCTGCCCGGGTGAAGTGGTT[C>G]TCCACCACGAAATCAAGGGCGAGGCCGATATTGGCCAACTCCCCACCAGCAAACCCGAGG-3'
Protein context (NP_004360.2, residues 321-341): NIGLALDFVV[Glu331Asp]NHFTRAGGSR

ClinVar aggregate classification (germline): Uncertain significance (1 of 4 stars; one submission).

Conditions:
Bethlem myopathy 1A. Also called: MYOPATHY, BENIGN CONGENITAL, WITH CONTRACTURES; Bethlem myopathy 1; Bethlem Muscular Dystrophy. Identifiers: Orphanet 610, MedGen CN029274, MONDO:0024530, OMIM 158810.

Submission:

Labcorp Genetics (formerly Invitae), Labcorp
Classification: Uncertain significance for Bethlem myopathy 1A. Last evaluated: 2022-05-30. Review status: criteria provided, single submitter. Criteria: Invitae Variant Classification Sherloc (09022015). Collection method: clinical testing. Allele origin: germline.
Comment: This sequence change replaces glutamic acid, which is acidic and polar, with aspartic acid, which is acidic and polar, at codon 331 of the COL6A3 protein (p.Glu331Asp). This variant is not present in population databases (gnomAD no frequency). This variant has not been reported in the literature in individuals affected with COL6A3-related conditions. Advanced modeling of protein sequence and biophysical properties (such as structural, functional, and spatial information, amino acid conservation, physicochemical variation, residue mobility, and thermodynamic stability) performed at Invitae indicates that this missense variant is not expected to disrupt COL6A3 protein function. In summary, the available evidence is currently insufficient to determine the role of this variant in disease. Therefore, it has been classified as a Variant of Uncertain Significance.